The following is an entry in ClinVar:

NM_001387430.1(SH2B1):c.1898-286T>A

Gene: SH2B1 (SH2B adaptor protein 1; plus strand). Cytogenetic location: 16p11.2.
Variant type: single nucleotide variant.
Coding change: c.1898-286T>A on transcript NM_001387430.1 (MANE Select); 286 bases into the intron before coding-DNA position 1898, T replaced by A.
Molecular consequence: intron variant.
Genome position (GRCh38, 1-based): chr16:28,873,161, T>A. VCF-style: chr16-28873161-T-A. GRCh37 (hg19) VCF-style: chr16-28884482-T-A.
Other names: c.1898-286T>A (NM_001308293.2, NM_001387404.1, NM_001145795.2); c.1898-9T>A (NM_015503.3, NM_001145812.2, NM_001145796.2); c.1951-9T>A (NM_001145797.2); c.890-9T>A (NM_001308294.2).
Identifiers: ClinVar variation 3358466 (VCV003358466.1).

ClinVar aggregate classification (germline): Likely benign (0 of 4 stars; one submission).

Conditions:
SH2B1-related disorder. Also called: SH2B1-related condition.

gnomAD v4.1: 4 of 1,543,056 alleles (0.00026%); highest among the groups gnomAD compares: African/African-American, 0.0055%; no homozygotes.

Submission:

PreventionGenetics, part of Exact Sciences
Classification: Likely benign for SH2B1-related condition. Last evaluated: 2020-12-07. Review status: no assertion criteria provided. Collection method: clinical testing. Allele origin: germline.
Comment: This variant is classified as likely benign based on ACMG/AMP sequence variant interpretation guidelines (Richards et al. 2015 PMID: 25741868, with internal and published modifications).